The following is an entry in ClinVar:

NM_001368809.2(AMPD2):c.2228T>C (p.Leu743Pro)

Gene: AMPD2 (adenosine monophosphate deaminase 2; plus strand). Cytogenetic location: 1p13.3.
Variant type: single nucleotide variant.
Coding change: c.2228T>C on transcript NM_001368809.2 (MANE Select); coding-DNA position 2228, T replaced by C.
Protein change: p.Leu743Pro; replaces leucine 743 with proline.
Molecular consequence: missense variant.
Genome position (GRCh38, 1-based): chr1:109,630,753, T>C. VCF-style: chr1-109630753-T-C. GRCh37 (hg19) VCF-style: chr1-110173375-T-C.
Other names: c.2036T>C, p.Leu679Pro (NM_001257361.2); c.2165T>C, p.Leu722Pro (NM_001308170.1); c.2228T>C, p.Leu743Pro (NM_004037.9); c.2147T>C, p.Leu716Pro (NM_139156.4); c.2390T>C (NM_001257360.1); short protein forms L679P, L716P, L722P, L743P.
Identifiers: ClinVar variation 985460 (VCV000985460.10), dbSNP rs752607637, ClinGen allele CA993353.
Genomic context (GRCh38, chr1:109,630,753, plus strand): 5'-TGGAGGAGTACAGCATCGCCACCCAGGTGTGGAAGCTCAGCTCCTGCGATATGTGTGAGC[T>C]GGCCCGCAACAGCGTGCTCATGAGCGGCTTCTCGCACAAGGTACTACAGCGCCTGCCTGG-3'
Protein context (NP_001355738.1, residues 733-753): WKLSSCDMCE[Leu743Pro]ARNSVLMSGF

ClinVar aggregate classification (germline): Uncertain significance. Review status: criteria provided, multiple submitters, no conflicts (2 of 4 stars). 5 submissions from 4 submitters: Uncertain significance (5). Last evaluated 2026-01-12.

Conditions:
Pontocerebellar hypoplasia type 9. Identifiers: Orphanet 369920, MedGen C4014354, MONDO:0014351, OMIM 615809.
Hereditary spastic paraplegia 63. Also called: Spastic paraplegia 63, autosomal recessive. Identifiers: Orphanet 401805, MedGen C3810295, MONDO:0014305, OMIM 615686.
Inborn genetic diseases. Identifiers: MedGen C0950123, MeSH D030342.

Allele frequency attached by ClinVar (database versions not stated): gnomAD exomes below 0.00001; ExAC 0.00001.

Submissions (5):

Women's Health and Genetics/Laboratory Corporation of America, LabCorp
Classification: Uncertain significance. Last evaluated: 2026-01-12. Review status: criteria provided, single submitter. Criteria: LabCorp Variant Classification Summary - May 2015. Collection method: clinical testing. Allele origin: germline.
Comment: Variant summary: AMPD2 c.2228T>C (p.Leu743Pro) results in a non-conservative amino acid change in the encoded protein sequence. Algorithms developed to predict the effect of missense changes on protein structure and function all suggest that this variant is likely to be disruptive. The variant allele was found at a frequency of 4.1e-06 in 245768 control chromosomes. The available data on variant occurrences in the general population are insufficient to allow any conclusion about variant significance. c.2228T>C has not been observed in individual(s) affected with Pontocerebellar Hypoplasia, Type 9. To our knowledge, no experimental evidence demonstrating an impact on protein function has been reported. The following publication have been ascertained in the context of this evaluation (PMID: 34732400). ClinVar contains an entry for this variant (Variation ID: 985460). Based on the evidence outlined above, the variant was classified as uncertain significance.

Genome-Nilou Lab
Classification: Uncertain significance for Hereditary spastic paraplegia 63. Last evaluated: 2023-04-11. Review status: criteria provided, single submitter. Criteria: ACMG Guidelines, 2015. Collection method: clinical testing. Allele origin: germline. Affected: no.

Genome-Nilou Lab
Classification: Uncertain significance for Pontocerebellar hypoplasia type 9. Last evaluated: 2023-04-11. Review status: criteria provided, single submitter. Criteria: ACMG Guidelines, 2015. Collection method: clinical testing. Allele origin: germline. Affected: no.

Ambry Genetics
Classification: Uncertain significance for Inborn genetic diseases. Last evaluated: 2022-02-03. Review status: criteria provided, single submitter. Criteria: Ambry Variant Classification Scheme 2023. Collection method: clinical testing. Allele origin: germline.
Comment: The c.2390T>C (p.L797P) alteration is located in coding exon 17 of the AMPD2 gene. This alteration results from a T to C substitution at nucleotide position 2390, causing the leucine (L) at amino acid position 797 to be replaced by a proline (P). Based on data from gnomAD, the C allele has an overall frequency of <0.01% (1/245768) total alleles studied. This amino acid position is highly conserved in available vertebrate species. This alteration is predicted to be deleterious by in silico analysis. Based on insufficient or conflicting evidence, the clinical significance of this alteration remains unclear.

GeneDx
Classification: Uncertain significance. Last evaluated: 2019-08-22. Review status: criteria provided, single submitter. Criteria: GeneDx Variant Classification Process June 2021. Collection method: clinical testing. Allele origin: germline. Affected: yes.
Comment: Not observed at a significant frequency in large population cohorts (Lek et al., 2016); In silico analysis, which includes protein predictors and evolutionary conservation, supports a deleterious effect; Has not been previously published as pathogenic or benign to our knowledge

Literature cited by the submitters: PubMed 34732400 (cited by Women's Health and Genetics/Laboratory Corporation of America, LabCorp).